The following is an entry in ClinVar:

ClinVar aggregate classification (germline): Uncertain significance (1 of 4 stars; one submission).

Allele frequency attached by ClinVar (database versions not stated): TOPMed 0.00001.
gnomAD v4.1: 5 of 1,614,042 alleles (0.00031%); highest among the groups gnomAD compares: Non-Finnish European, 0.00034%; no homozygotes.

Submission:

CeGaT Center for Human Genetics Tuebingen
Classification: Uncertain significance. Last evaluated: 2023-08-01. Review status: criteria provided, single submitter. Criteria: CeGaT Center For Human Genetics Tuebingen Variant Classification Criteria Version 2. Collection method: clinical testing. Allele origin: germline. Affected: yes. Observed: 1 variant allele.
Comment: MBD5: PM2

NM_001378120.1(MBD5):c.1241C>T (p.Pro414Leu)

Gene: MBD5 (methyl-CpG binding domain protein 5; plus strand). Cytogenetic location: 2q23.1.
Variant type: single nucleotide variant.
Coding change: c.1241C>T on transcript NM_001378120.1 (MANE Select); coding-DNA position 1241, C replaced by T.
Protein change: p.Pro414Leu; replaces proline 414 with leucine.
Molecular consequence: missense variant.
Genome position (GRCh38, 1-based): chr2:148,469,184, C>T. VCF-style: chr2-148469184-C-T. GRCh37 (hg19) VCF-style: chr2-149226753-C-T.
Other names: c.1241C>T, p.Pro414Leu (NM_018328.5); short protein forms P414L.
Identifiers: ClinVar variation 2578866 (VCV002578866.25), dbSNP rs1351125438, ClinGen allele CA348719272.